The following is an entry in ClinVar:

ClinVar aggregate classification (germline): Uncertain significance (1 of 4 stars; one submission).

Submission:

GeneDx
Classification: Uncertain significance. Last evaluated: 2024-02-27. Review status: criteria provided, single submitter. Criteria: GeneDx Variant Classification Process June 2021. Collection method: clinical testing. Allele origin: germline. Affected: yes.
Comment: Not observed at significant frequency in large population cohorts (gnomAD); In silico analysis supports a deleterious effect on splicing; Has not been previously published as pathogenic or benign to our knowledge

NM_001378609.3(OTOGL):c.3450+3A>T

Gene: OTOGL (otogelin like; plus strand). Cytogenetic location: 12q21.31.
Variant type: single nucleotide variant.
Coding change: c.3450+3A>T on transcript NM_001378609.3 (MANE Select); 3 bases into the intron after coding-DNA position 3450, A replaced by T.
Molecular consequence: intron variant.
Genome position (GRCh38, 1-based): chr12:80,310,730, A>T. VCF-style: chr12-80310730-A-T. GRCh37 (hg19) VCF-style: chr12-80704510-A-T.
Other names: c.3315+3A>T (NM_001368062.3); c.3450+3A>T (NM_001378610.3, NM_173591.7).
Identifiers: ClinVar variation 3369704 (VCV003369704.1).
Genomic context (GRCh38, chr12:80,310,730, plus strand): 5'-TGCCAAGAAAGAATGCTCCATTTTGTACAGTGATATTTTTGCTTCTTGTCGCAATGTGGT[A>T]AATGAATACTTTAATGAACTCTCGAGTTTCAATATGTTCTACTGTGTCTATAATACTGAG-3'